The following is an entry in ClinVar:

NM_017780.4(CHD7):c.8933G>A (p.Gly2978Asp)

Gene: CHD7 (chromodomain helicase DNA binding protein 7; plus strand). Cytogenetic location: 8q12.2.
Variant type: single nucleotide variant.
Coding change: c.8933G>A on transcript NM_017780.4 (MANE Select); coding-DNA position 8933, G replaced by A.
Protein change: p.Gly2978Asp; replaces glycine 2978 with aspartic acid.
Molecular consequence: missense variant.
Genome position (GRCh38, 1-based): chr8:60,865,872, G>A. VCF-style: chr8-60865872-G-A. GRCh37 (hg19) VCF-style: chr8-61778431-G-A.
Other names: c.8933G>A (NM_017780.3); c.2786G>A, p.Gly929Asp (NM_001316690.1); short protein forms G929D, G2978D.
Identifiers: ClinVar variation 2967454 (VCV002967454.5), dbSNP rs1392645019, ClinGen allele CA371313308.

ClinVar aggregate classification (germline): Uncertain significance. Review status: criteria provided, multiple submitters, no conflicts (2 of 4 stars). 3 submissions from 3 submitters: Uncertain significance (3). Last evaluated 2026-09-02.

Conditions:
CHARGE syndrome (CHARGE). Also called: Hittner Hirsch Kreh syndrome; CHARGE ASSOCIATION--COLOBOMA, HEART ANOMALY, CHOANAL ATRESIA, RETARDATION, GENITAL AND EAR ANOMALIES; Coloboma, heart anomaly, choanal atresia, retardation, genital and ear anomalies; CHARGE association; Hall-Hittner syndrome. Identifiers: Orphanet 138, MedGen C0265354, MONDO:0008965.
Inborn genetic diseases. Identifiers: MedGen C0950123, MeSH D030342.

gnomAD v4.1: 1 of 1,612,076 alleles (0.000062%); highest among the groups gnomAD compares: African/African-American, 0.0013%; no homozygotes.

Submissions (3):

Ambry Genetics
Classification: Uncertain significance for Inborn genetic diseases. Last evaluated: 2026-09-02. Review status: criteria provided, single submitter. Criteria: Ambry Variant Classification Scheme 2023. Collection method: clinical testing. Allele origin: germline.

Labcorp Genetics (formerly Invitae), Labcorp
Classification: Uncertain significance for CHARGE syndrome. Last evaluated: 2023-07-27. Review status: criteria provided, single submitter. Criteria: Invitae Variant Classification Sherloc (09022015). Collection method: clinical testing. Allele origin: germline.
Comment: This sequence change replaces glycine, which is neutral and non-polar, with aspartic acid, which is acidic and polar, at codon 2978 of the CHD7 protein (p.Gly2978Asp). This variant is not present in population databases (gnomAD no frequency). This variant has not been reported in the literature in individuals affected with CHD7-related conditions. Advanced modeling of protein sequence and biophysical properties (such as structural, functional, and spatial information, amino acid conservation, physicochemical variation, residue mobility, and thermodynamic stability) performed at Invitae indicates that this missense variant is not expected to disrupt CHD7 protein function. In summary, the available evidence is currently insufficient to determine the role of this variant in disease. Therefore, it has been classified as a Variant of Uncertain Significance.

Blueprint Genetics
Classification: Uncertain significance. Last evaluated: 2021-06-16. Review status: criteria provided, single submitter. Criteria: ACMG Guidelines, 2015. Collection method: clinical testing. Allele origin: germline.